The following is an entry in ClinVar:

ClinVar aggregate classification (germline): Uncertain significance (1 of 4 stars; one submission).

Conditions:
Hereditary diffuse gastric adenocarcinoma (HDGC). Also called: DIFFUSE GASTRIC AND LOBULAR BREAST CANCER SYNDROME. Identifiers: Orphanet 26106, MedGen C1708349, MONDO:0007648, OMIM 137215.

Submission:

Labcorp Genetics (formerly Invitae), Labcorp
Classification: Uncertain significance for Hereditary diffuse gastric adenocarcinoma. Last evaluated: 2025-05-18. Review status: criteria provided, single submitter. Criteria: Invitae Variant Classification Sherloc (09022015). Collection method: clinical testing. Allele origin: germline.
Comment: This variant, c.1976_1978del, results in the deletion of 1 amino acid(s) of the CDH1 protein (p.Glu659del), but otherwise preserves the integrity of the reading frame. This variant is not present in population databases (gnomAD no frequency). This variant has not been reported in the literature in individuals affected with CDH1-related conditions. ClinVar contains an entry for this variant (Variation ID: 2747991). Experimental studies and prediction algorithms are not available or were not evaluated, and the functional significance of this variant is currently unknown. In summary, the available evidence is currently insufficient to determine the role of this variant in disease. Therefore, it has been classified as a Variant of Uncertain Significance.

NM_004360.5(CDH1):c.1976_1978del (p.Glu659del)

Gene: CDH1 (cadherin 1; plus strand). Cytogenetic location: 16q22.1.
Variant type: Deletion.
Coding change: c.1976_1978del on transcript NM_004360.5 (MANE Select); coding-DNA positions 1976 to 1978, 3 bases deleted (AGG; older notation c.1976_1978delAGG).
Protein change: p.Glu659del; deletes glutamic acid 659.
Molecular consequence: inframe deletion.
Genome position (GRCh38, 1-based): chr16:68,823,438-68,823,440, AGG deleted; deleting any 3 consecutive bases within chr16:68,823,437-68,823,440 gives the same sequence; the c. name uses the placement nearest the transcript's 3' end. VCF-style (leftmost placement, unchanged base first): chr16-68823436-AGAG-A. GRCh37 (hg19) VCF-style: chr16-68857339-AGAG-A.
Other names: c.1793_1795del, p.Glu598del (NM_001317184.2); c.428_430del, p.Glu143del (NM_001317185.2); c.11_13del, p.Glu4del (NM_001317186.2); short protein forms E143del, E4del, E598del, E659del.
Identifiers: ClinVar variation 2747991 (VCV002747991.3), dbSNP rs2543945308, ClinGen allele CA2697555907.